The following is an entry in ClinVar:

ClinVar aggregate classification (germline): Conflicting classifications of pathogenicity. Review status: criteria provided, conflicting classifications (1 of 4 stars). 3 submissions from 3 submitters: Uncertain significance (1); Benign (1). 1 of the submissions does not count toward it. Last evaluated 2025-05-28.

Conditions:
Hereditary cancer-predisposing syndrome. Also called: Neoplastic Syndromes, Hereditary; Tumor predisposition; Hereditary Cancer Syndrome; Hereditary neoplastic syndrome. Identifiers: Orphanet 140162, MedGen C0027672, MeSH D009386, MONDO:0015356.
Tuberous sclerosis syndrome (TSC). Also called: Tuberous Sclerosis Complex; Tuberous sclerosis. Identifiers: Orphanet 805, MedGen C0041341, MONDO:0001734.
Tuberous sclerosis 2 (TSC2). Identifiers: Orphanet 805, MedGen C1860707, MONDO:0013199, OMIM 613254.

gnomAD v4.1: 1 of 1,609,738 alleles (0.000062%); highest among the groups gnomAD compares: South Asian, 0.0011%; no homozygotes.

Submissions (3):

Ambry Genetics
Classification: Uncertain significance for Hereditary cancer-predisposing syndrome. Last evaluated: 2025-05-28. Review status: criteria provided, single submitter. Criteria: Ambry Variant Classification Scheme 2023. Collection method: clinical testing. Allele origin: germline.
Comment: The p.V1407L variant (also known as c.4219G>C), located in coding exon 33 of the TSC2 gene, results from a G to C substitution at nucleotide position 4219. The valine at codon 1407 is replaced by leucine, an amino acid with highly similar properties. This amino acid position is poorly conserved in available vertebrate species. In addition, the in silico prediction for this alteration is inconclusive. Based on the available evidence, the clinical significance of this variant remains unclear.

Labcorp Genetics (formerly Invitae), Labcorp
Classification: Benign for Tuberous sclerosis 2. Last evaluated: 2022-12-06. Review status: criteria provided, single submitter. Criteria: Invitae Variant Classification Sherloc (09022015). Collection method: clinical testing. Allele origin: germline.

Tuberous sclerosis database (TSC2)
No classification provided. Condition: TSC. Review status: no classification provided. Criteria: Tuberous Sclerosis Database Assertion Criteria 2015. Collection method: curation. Allele origin: germline. Affected: yes. Not counted in ClinVar's aggregate classification.

NM_000548.5(TSC2):c.4219G>C (p.Val1407Leu)

Gene: TSC2 (TSC complex subunit 2; plus strand). Cytogenetic location: 16p13.3.
Variant type: single nucleotide variant.
Coding change: c.4219G>C on transcript NM_000548.5 (MANE Select); coding-DNA position 4219, G replaced by C.
Protein change: p.Val1407Leu; replaces valine 1407 with leucine.
Molecular consequence: missense variant.
Genome position (GRCh38, 1-based): chr16:2,084,441, G>C. VCF-style: chr16-2084441-G-C. GRCh37 (hg19) VCF-style: chr16-2134442-G-C.
Other names: c.4018G>C, p.Val1340Leu (NM_001077183.3); c.4150G>C, p.Val1384Leu (NM_001114382.3); c.3910G>C, p.Val1304Leu (NM_001318827.2); c.3874G>C, p.Val1292Leu (NM_001318829.2); c.3487G>C, p.Val1163Leu (NM_001318831.2); c.4051G>C, p.Val1351Leu (NM_001318832.2); c.4021G>C, p.Val1341Leu (NM_001363528.2); c.4087G>C, p.Val1363Leu (NM_001370404.1); and 1 more; short protein forms V1407L, V1163L, V1304L, V1341L, V1351L, V1364L, V1292L, V1340L.
Identifiers: ClinVar variation 49812 (VCV000049812.11), dbSNP rs45517332, ClinGen allele CA020086.